The following is an entry in ClinVar:

NM_001367624.2(ZNF469):c.7940G>C (p.Ser2647Thr)

Gene: ZNF469 (zinc finger protein 469; plus strand). Cytogenetic location: 16q24.2.
Variant type: single nucleotide variant.
Coding change: c.7940G>C on transcript NM_001367624.2 (MANE Select); coding-DNA position 7940, G replaced by C.
Protein change: p.Ser2647Thr; replaces serine 2647 with threonine.
Molecular consequence: missense variant.
Genome position (GRCh38, 1-based): chr16:88,435,410, G>C. VCF-style: chr16-88435410-G-C. GRCh37 (hg19) VCF-style: chr16-88501818-G-C.
Other names: NM_001127464.1:c.7856G>C; short protein forms S2647T.
Identifiers: ClinVar variation 2541934 (VCV002541934.4), dbSNP rs953761268, ClinGen allele CA286383272.

ClinVar aggregate classification (germline): Uncertain significance. Review status: criteria provided, multiple submitters, no conflicts (2 of 4 stars). 2 submissions from 2 submitters: Uncertain significance (2). Last evaluated 2024-09-19.

Conditions:
Cardiovascular phenotype. Identifiers: MedGen CN230736.

Allele frequency attached by ClinVar (database versions not stated): gnomAD exomes below 0.00001.
gnomAD v4.1: 3 of 1,550,330 alleles (0.00019%); highest among the groups gnomAD compares: Non-Finnish European, 0.00026%; no homozygotes.

Submissions (2):

Labcorp Genetics (formerly Invitae), Labcorp
Classification: Uncertain significance. Last evaluated: 2024-09-19. Review status: criteria provided, single submitter. Criteria: Invitae Variant Classification Sherloc (09022015). Collection method: clinical testing. Allele origin: germline.
Comment: This sequence change replaces serine, which is neutral and polar, with threonine, which is neutral and polar, at codon 2619 of the ZNF469 protein (p.Ser2619Thr). This variant is not present in population databases (gnomAD no frequency). This variant has not been reported in the literature in individuals affected with ZNF469-related conditions. ClinVar contains an entry for this variant (Variation ID: 2541934). An algorithm developed to predict the effect of missense changes on protein structure and function (PolyPhen-2) suggests that this variant is likely to be tolerated. In summary, the available evidence is currently insufficient to determine the role of this variant in disease. Therefore, it has been classified as a Variant of Uncertain Significance.

Ambry Genetics
Classification: Uncertain significance for Cardiovascular phenotype. Last evaluated: 2023-05-02. Review status: criteria provided, single submitter. Criteria: Ambry Variant Classification Scheme 2023. Collection method: clinical testing. Allele origin: germline.